The following is an entry in ClinVar:

NM_000399.5(EGR2):c.785T>G (p.Leu262Arg)

Gene: EGR2 (early growth response 2; minus strand). Cytogenetic location: 10q21.3.
Variant type: single nucleotide variant.
Coding change: c.785T>G on transcript NM_000399.5 (MANE Select); coding-DNA position 785, T replaced by G.
Protein change: p.Leu262Arg; replaces leucine 262 with arginine.
Molecular consequence: missense variant.
Genome position (GRCh38, 1-based): chr10:62,813,853, A>C on the plus strand (T>G on the coding strand, the complement: EGR2 is on the minus strand). VCF-style: chr10-62813853-A-C. GRCh37 (hg19) VCF-style: chr10-64573613-A-C.
Other names: c.785T>G, p.Leu262Arg (NM_001136177.3, NM_001136178.2); c.635T>G, p.Leu212Arg (NM_001136179.3, NM_001321037.2); c.824T>G, p.Leu275Arg (NM_001410931.1); short protein forms L275R, L212R, L262R.
Identifiers: ClinVar variation 1760920 (VCV001760920.2), dbSNP rs2492297283, ClinGen allele CA377028838.

ClinVar aggregate classification (germline): Uncertain significance (1 of 4 stars; one submission).

Conditions:
Inborn genetic diseases. Identifiers: MedGen C0950123, MeSH D030342.

Submission:

Ambry Genetics
Classification: Uncertain significance for Inborn genetic diseases. Last evaluated: 2022-09-13. Review status: criteria provided, single submitter. Criteria: Ambry Variant Classification Scheme 2023. Collection method: clinical testing. Allele origin: germline.
Comment: The p.L262R variant (also known as c.785T>G), located in coding exon 2 of the EGR2 gene, results from a T to G substitution at nucleotide position 785. The leucine at codon 262 is replaced by arginine, an amino acid with dissimilar properties. This amino acid position is conserved. In addition, the in silico prediction for this alteration is inconclusive. Since supporting evidence is limited at this time, the clinical significance of this alteration remains unclear.